The following is an entry in ClinVar:

NM_000093.5(COL5A1):c.4652C>T (p.Thr1551Ile)

Genes: COL5A1 (collagen type V alpha 1 chain; plus strand), LOC101448202 (uncharacterized LOC101448202; minus strand). Cytogenetic location: 9q34.3.
Variant type: single nucleotide variant.
Coding change: c.4652C>T on transcript NM_000093.5 (MANE Select); coding-DNA position 4652, C replaced by T.
Protein change: p.Thr1551Ile; replaces threonine 1551 with isoleucine.
Molecular consequence: missense variant.
Genome position (GRCh38, 1-based): chr9:134,823,423, C>T. VCF-style: chr9-134823423-C-T. GRCh37 (hg19) VCF-style: chr9-137715269-C-T.
Other names: p.T1551I:ACT>ATT; c.4652C>T, p.Thr1551Ile (NM_001278074.1); short protein forms T1551I.
Identifiers: ClinVar variation 212985 (VCV000212985.22), dbSNP rs863223460, ClinGen allele CA321531.

ClinVar aggregate classification (germline): Conflicting classifications of pathogenicity. Review status: criteria provided, conflicting classifications (1 of 4 stars). 6 submissions from 6 submitters: Uncertain significance (2); Likely benign (3). 1 of the submissions does not count toward it. Last evaluated 2025-06-19.

Conditions:
COL5A1-related disorder. Also called: COL5A1-related condition.
Ehlers-Danlos syndrome, classic type, 1 (EDSCL1). Also called: EHLERS-DANLOS SYNDROME, GRAVIS TYPE; EHLERS-DANLOS SYNDROME, SEVERE CLASSIC TYPE; Ehlers-Danlos syndrome, type 1; Ehlers-Danlos Syndrome, Classic Type, COL5A1-Related; EDS I. Identifiers: MedGen C0268335, MONDO:0019567, OMIM 130000.
Familial thoracic aortic aneurysm and aortic dissection (TAAD). Also called: Thoracic aortic aneurysms and dissections. Identifiers: Orphanet 91387, MedGen C4707243, MONDO:0019625.

Allele frequency attached by ClinVar (database versions not stated): gnomAD exomes below 0.00001 and 0.00003; gnomAD 0.00002 and 0.00003; TOPMed 0.00004.
gnomAD v4.1: 41 of 1,614,136 alleles (0.0025%); highest among the groups gnomAD compares: Non-Finnish European, 0.0035%; no homozygotes.

Submissions (6):

Labcorp Genetics (formerly Invitae), Labcorp
Classification: Likely benign for Ehlers-Danlos syndrome, classic type, 1. Last evaluated: 2025-06-19. Review status: criteria provided, single submitter. Criteria: Invitae Variant Classification Sherloc (09022015). Collection method: clinical testing. Allele origin: germline.

Women's Health and Genetics/Laboratory Corporation of America, LabCorp
Classification: Likely benign. Last evaluated: 2025-03-18. Review status: criteria provided, single submitter. Criteria: LabCorp Variant Classification Summary - May 2015. Collection method: clinical testing. Allele origin: germline.
Comment: Variant summary: COL5A1 c.4652C>T (p.Thr1551Ile) results in a non-conservative amino acid change in the encoded protein sequence. Three of five in-silico tools predict a damaging effect of the variant on protein function. The variant allele was found at a frequency of 2.5e-05 in 1614136 control chromosomes, predominantly at a frequency of 3.5e-05 within the Non-Finnish European subpopulation in the gnomAD database. The observed variant frequency within Non-Finnish European control individuals in the gnomAD database is approximately 1.12 fold of the estimated maximal expected allele frequency for a pathogenic variant in COL5A1 causing Ehlers-Danlos syndrome, classic type, Ehlers-Danlos syndrome, classic type, 1 phenotype (3.1e-05). c.4652C>T has been reported in the literature in at-least one individual affected with Keratoconus (example:Lucas_2018). These report(s) do not provide unequivocal conclusions about association of the variant with Ehlers-Danlos syndrome, classic type, Ehlers-Danlos syndrome, classic type, 1. To our knowledge, no experimental evidence demonstrating an impact on protein function has been reported. The following publication has been ascertained in the context of this evaluation (PMID: 29924831). ClinVar contains an entry for this variant (Variation ID: 212985). Based on the evidence outlined above, the variant was classified as likely benign.

Blueprint Genetics
Classification: Likely benign. Last evaluated: 2023-08-22. Review status: criteria provided, single submitter. Criteria: ACMG Guidelines, 2015. Collection method: clinical testing. Allele origin: germline.

GeneDx
Classification: Uncertain significance. Last evaluated: 2023-03-30. Review status: criteria provided, single submitter. Criteria: GeneDx Variant Classification Process June 2021. Collection method: clinical testing. Allele origin: germline. Affected: yes.
Comment: Has not been previously published as pathogenic or benign in association with a COL5A1-related disorder to our knowledge; Not observed at significant frequency in large population cohorts (gnomAD); Occurs in the triple helical domain at the Y position in the canonical Gly-X-Y repeat; although this variant may have an effect on normal protein folding and function, missense substitution at the Y position is not a common mechanism of disease (Symoens et al., 2012; HGMD); In silico analysis supports that this missense variant does not alter protein structure/function; This variant is associated with the following publications: (PMID: 29924831)

Ambry Genetics
Classification: Uncertain significance for Familial thoracic aortic aneurysm and aortic dissection. Last evaluated: 2022-03-18. Review status: criteria provided, single submitter. Criteria: Ambry Variant Classification Scheme 2023. Collection method: clinical testing. Allele origin: germline.
Comment: The p.T1551I variant (also known as c.4652C>T), located in coding exon 61 of the COL5A1 gene, results from a C to T substitution at nucleotide position 4652. The threonine at codon 1551 is replaced by isoleucine, an amino acid with similar properties. This amino acid position is well conserved in available vertebrate species. In addition, the in silico prediction for this alteration is inconclusive. Since supporting evidence is limited at this time, the clinical significance of this alteration remains unclear.

PreventionGenetics, part of Exact Sciences
Classification: Uncertain significance for COL5A1-related condition. Last evaluated: 2024-06-14. Review status: no assertion criteria provided. Collection method: clinical testing. Allele origin: germline. Not counted in ClinVar's aggregate classification.
Comment: The COL5A1 c.4652C>T variant is predicted to result in the amino acid substitution p.Thr1551Ile. This variant has been reported in an individual with keratoconus (Table S3, Lucas et al. 2018. PubMed ID: 29924831). This variant is reported in 0.0023% of alleles in individuals of European (Non-Finnish) descent in gnomAD. At this time, the clinical significance of this variant is uncertain due to the absence of conclusive functional and genetic evidence.

Literature cited by the submitters: PubMed 29924831 (cited by Women's Health and Genetics/Laboratory Corporation of America, LabCorp).